The following is an entry in ClinVar:

NM_000051.4(ATM):c.95G>A (p.Arg32His)

Gene: ATM (ATM serine/threonine kinase; plus strand). Cytogenetic location: 11q22.3.
Variant type: single nucleotide variant.
Coding change: c.95G>A on transcript NM_000051.4 (MANE Select); coding-DNA position 95, G replaced by A.
Protein change: p.Arg32His; replaces arginine 32 with histidine.
Molecular consequence: missense variant.
Genome position (GRCh38, 1-based): chr11:108,227,798, G>A. VCF-style: chr11-108227798-G-A. GRCh37 (hg19) VCF-style: chr11-108098525-G-A.
Other names: p.R32H:CGC>CAC; c.95G>A, p.Arg32His (NM_001351834.2, NM_001351835.2, NM_001351836.2); short protein forms R32H.
Identifiers: ClinVar variation 181945 (VCV000181945.30), dbSNP rs368161489, ClinGen allele CA298213.
Genomic context (GRCh38, chr11:108,227,798, plus strand): 5'-TGATTAGTAACCCATTATTATTTCCTTTTTATTTTCAGAAAGAAGTTGAGAAATTTAAGC[G>A]CCTGATTCGAGATCCTGAAACAATTAAACATCTAGATCGGCATTCAGATTCCAAACAAGG-3'
Protein context (NP_000042.3, residues 22-42): ERKKEVEKFK[Arg32His]LIRDPETIKH

ClinVar aggregate classification (germline): Conflicting classifications of pathogenicity. Review status: criteria provided, conflicting classifications (1 of 4 stars). 10 submissions from 10 submitters: Uncertain significance (9); Likely benign (1). Last evaluated 2025-12-27.

Conditions:
Hereditary cancer-predisposing syndrome. Also called: Tumor predisposition; Hereditary Cancer Syndrome; Hereditary neoplastic syndrome; Neoplastic Syndromes, Hereditary. Identifiers: Orphanet 140162, MedGen C0027672, MeSH D009386, MONDO:0015356.
Familial cancer of breast. Also called: BREAST CANCER, FAMILIAL; hereditary breast carcinoma; Hereditary breast cancer. Identifiers: Orphanet 227535, MedGen C0346153, MONDO:0016419, OMIM 114480. Disease mechanism: loss of function.
Ataxia-telangiectasia syndrome (AT). Also called: LOUIS-BAR SYNDROME; Cerebello-oculocutaneous telangiectasia; Immunodeficiency with ataxia telangiectasia; ATAXIA-TELANGIECTASIA, COMPLEMENTATION GROUP A; ATAXIA-TELANGIECTASIA, FRESNO VARIANT; Ataxia-telangiectasia. Identifiers: Orphanet 100, MedGen C0004135, MONDO:0008840, OMIM 208900.

Allele frequency attached by ClinVar (database versions not stated): gnomAD 0.00002; gnomAD exomes 0.00002; TOPMed 0.00002.
gnomAD v4.1: 27 of 1,613,390 alleles (0.0017%); highest among the groups gnomAD compares: Admixed American, 0.0067%; no homozygotes.

Submissions (10):

Labcorp Genetics (formerly Invitae), Labcorp
Classification: Uncertain significance for Ataxia-telangiectasia syndrome. Last evaluated: 2025-12-27. Review status: criteria provided, single submitter. Criteria: Invitae Variant Classification Sherloc (09022015). Collection method: clinical testing. Allele origin: germline.
Comment: This sequence change replaces arginine, which is basic and polar, with histidine, which is basic and polar, at codon 32 of the ATM protein (p.Arg32His). This variant is present in population databases (rs368161489, gnomAD 0.006%). This missense change has been observed in individual(s) with breast cancer, ovarian cancer, and/or prostate cancer (PMID: 30306255, 31214711). ClinVar contains an entry for this variant (Variation ID: 181945). Invitae Evidence Modeling of protein sequence and biophysical properties (such as structural, functional, and spatial information, amino acid conservation, physicochemical variation, residue mobility, and thermodynamic stability) indicates that this missense variant is not expected to disrupt ATM protein function with a negative predictive value of 95%. In summary, the available evidence is currently insufficient to determine the role of this variant in disease. Therefore, it has been classified as a Variant of Uncertain Significance.

Women's Health and Genetics/Laboratory Corporation of America, LabCorp
Classification: Uncertain significance. Last evaluated: 2025-11-17. Review status: criteria provided, single submitter. Criteria: LabCorp Variant Classification Summary - May 2015. Collection method: clinical testing. Allele origin: germline.
Comment: Variant summary: ATM c.95G>A (p.Arg32His) results in a non-conservative amino acid change located in the Telomere-length maintenance and DNA damage repair domain (IPR021668) of the encoded protein sequence. Algorithms developed to predict the effect of missense changes on protein structure and function are either unavailable or do not agree on the potential impact of this missense change. The variant allele was found at a frequency of 1.6e-05 in 251182 control chromosomes. The available data on variant occurrences in the general population are insufficient to allow any conclusion about variant significance. c.95G>A has been reported in the literature in individuals affected with congenital heart disease, colorectal sarcoma and breast/ovarian cancer, without strong evidence for causality (Edwards_2020, Bhai_2021, Bonache_2018). These report(s) do not provide unequivocal conclusions about association of the variant with Breast Cancer. To our knowledge, no experimental evidence demonstrating an impact on protein function has been reported. The following publications have been ascertained in the context of this evaluation (PMID: 34326862, 32368696, 30306255). ClinVar contains an entry for this variant (Variation ID: 181945). Based on the evidence outlined above, the variant was classified as uncertain significance.

Quest Diagnostics Nichols Institute San Juan Capistrano
Classification: Uncertain significance. Last evaluated: 2025-06-06. Review status: criteria provided, single submitter. Criteria: Quest Diagnostics criteria. Collection method: clinical testing. Allele origin: unknown.

Baylor Genetics
Classification: Uncertain significance for Familial cancer of breast. Last evaluated: 2024-01-26. Review status: criteria provided, single submitter. Criteria: ACMG Guidelines, 2015. Collection method: clinical testing. Allele origin: unknown.

Color Diagnostics, LLC DBA Color Health
Classification: Uncertain significance for Hereditary cancer-predisposing syndrome. Last evaluated: 2024-01-04. Review status: criteria provided, single submitter. Criteria: ACMG Guidelines, 2015. Collection method: clinical testing. Allele origin: germline.
Comment: This missense variant replaces arginine with histidine at codon 32 of the ATM protein. Computational prediction suggests that this variant may not impact protein structure and function. To our knowledge, functional studies have not been reported for this variant. This variant has been reported in an individual with a personal and/or family history of breast cancer (PMID: 30306255) and an individual affected with prostate cancer (PMID: 31214711). In an international breast cancer case-control meta-analysis, this variant was detected in 1/60466 cases and absent in 53461 unaffected controls (PMID: 33471991). This variant has been identified in 4/251182 chromosomes in the general population by the Genome Aggregation Database (gnomAD). The available evidence is insufficient to determine the role of this variant in disease conclusively. Therefore, this variant is classified as a Variant of Uncertain Significance.

Athena Diagnostics
Classification: Uncertain significance. Last evaluated: 2022-09-06. Review status: criteria provided, single submitter. Criteria: Athena Diagnostics Criteria. Collection method: clinical testing. Allele origin: unknown.

MGZ Medical Genetics Center
Classification: Uncertain significance for Familial cancer of breast. Last evaluated: 2022-01-26. Review status: criteria provided, single submitter. Criteria: ACMG Guidelines, 2015. Collection method: clinical testing. Allele origin: germline. Affected: yes. Observed: 1 variant allele.
Comment: ACMG criteria applied: PM2_SUP, BP4

Sema4
Classification: Uncertain significance for Hereditary cancer-predisposing syndrome. Last evaluated: 2022-01-15. Review status: criteria provided, single submitter. Criteria: Sema4 Curation Guidelines. Collection method: curation. Allele origin: germline.
Comment: The ATM c.95G>A (p.R32H) variant has been reported in at least one individual with breast cancer and was also reported in a healthy control (PMID: 33471991). It was observed in 4/251182 chromosomes across the large and broad cohorts of the Genome Aggregation Database (PMID: 32461654). The variant has been reported in ClinVar (Variation ID 181945). In silico tools suggest the impact of the variant on protein function is benign, though these predictions have not been confirmed by functional studies. The evidence is insufficient to meet ACMG/AMP criteria for classifying the variant as benign or pathogenic. Thus, the clinical significance of this variant is currently uncertain.

GeneDx
Classification: Uncertain significance. Last evaluated: 2021-08-31. Review status: criteria provided, single submitter. Criteria: GeneDx Variant Classification Process June 2021. Collection method: clinical testing. Allele origin: germline. Affected: yes.
Comment: Not observed at significant frequency in large population cohorts (Lek 2016); In silico analysis, which includes protein predictors and evolutionary conservation, supports a deleterious effect; Has not been previously published as pathogenic or benign to our knowledge

Ambry Genetics
Classification: Likely benign for Hereditary cancer-predisposing syndrome. Last evaluated: 2020-01-13. Review status: criteria provided, single submitter. Criteria: Ambry Variant Classification Scheme 2023. Collection method: clinical testing. Allele origin: germline.

Literature cited by the submitters: PubMed 30306255 (cited by 4 submitters); PubMed 31214711 (cited by 3 submitters); PubMed 32368696 (cited by Women's Health and Genetics/Laboratory Corporation of America, LabCorp and Athena Diagnostics); PubMed 34326862 (cited by Women's Health and Genetics/Laboratory Corporation of America, LabCorp); PubMed 33471991 (cited by Color Diagnostics, LLC DBA Color Health and Sema4).